The following is an entry in ClinVar:

ClinVar aggregate classification (germline): Uncertain significance (1 of 4 stars; one submission).

Submission:

GeneDx
Classification: Uncertain significance. Last evaluated: 2026-03-29. Review status: criteria provided, single submitter. Criteria: GeneDx Variant Classification Process June 2021. Collection method: clinical testing. Allele origin: germline.
Comment: Not observed at significant frequency in large population cohorts (gnomAD); In silico analysis supports a deleterious effect on protein structure/function; Has not been previously published as pathogenic or benign to our knowledge

NM_001330288.2(SMARCC2):c.2873_2874delinsAT (p.Leu958His)

Gene: SMARCC2 (SWI/SNF related BAF chromatin remodeling complex subunit C2; minus strand). Cytogenetic location: 12q13.2.
Variant type: Indel.
Coding change: c.2873_2874delinsAT on transcript NM_001330288.2 (MANE Select); coding-DNA positions 2873 to 2874, TC replaced by AT.
Protein change: p.Leu958His; replaces leucine 958 with histidine.
Molecular consequence: missense variant.
Genome position (GRCh38, 1-based): chr12:56,165,676-56,165,677, GA replaced by AT on the plus strand (TC replaced by AT on the coding strand, the reverse complement: SMARCC2 is on the minus strand). VCF-style: chr12-56165676-GA-AT. GRCh37 (hg19) VCF-style: chr12-56559460-GA-AT.
Other names: c.2873_2874delinsAT, p.Leu958His (NM_001130420.3, NM_139067.4); c.2780_2781delinsAT, p.Leu927His (NM_003075.5); short protein forms L927H, L958H.
Identifiers: ClinVar variation 5017868 (VCV005017868.1).
Genomic context (GRCh38, chr12:56,165,676, plus strand): 5'-CCGAGCCCTCATCTCCGCATACTTCAGCTGCTCCATGTGGAAGGCTTGTCTGTCGGCCAG[GA>AT]GCTGCTGCCTCTGATACTCCAGCTGCCAGTGCCAATTGAGTATTGTTATCCAATTTTCAG-3'
Protein context (NP_001317217.1, residues 948-968): REALEYQRQQ[Leu958His]LADRQAFHME